The following is an entry in ClinVar:

NM_000370.3(TTPA):c.295G>A (p.Gly99Ser)

Gene: TTPA (alpha tocopherol transfer protein; minus strand). Cytogenetic location: 8q12.3.
Variant type: single nucleotide variant.
Coding change: c.295G>A on transcript NM_000370.3 (MANE Select); coding-DNA position 295, G replaced by A.
Protein change: p.Gly99Ser; replaces glycine 99 with serine.
Molecular consequence: missense variant.
Genome position (GRCh38, 1-based): chr8:63,072,998, C>T on the plus strand (G>A on the coding strand, the complement: TTPA is on the minus strand). VCF-style: chr8-63072998-C-T. GRCh37 (hg19) VCF-style: chr8-63985557-C-T.
Other names: c.295G>A, p.Gly99Ser (NM_001413415.1, NM_001413416.1, NM_001413418.1); short protein forms G99S.
Identifiers: ClinVar variation 2146071 (VCV002146071.2), dbSNP rs200760380, ClinGen allele CA4763282.
Genomic context (GRCh38, chr8:63,072,998, plus strand): 5'-TTCTGTAAATAAGAACTTTGCTGCCAGTGGGATCCCTGGATCTCAGGACTCCATGGTAGC[C>T]AGCCTTTAGGAGGCCAATAATACTTCTAGGGTGTAGATCTGCACTTATTTCTGGACATTC-3'
Protein context (NP_000361.1, residues 89-109): PRSIIGLLKA[Gly99Ser]YHGVLRSRDP

ClinVar aggregate classification (germline): Uncertain significance. Review status: criteria provided, multiple submitters, no conflicts (2 of 4 stars). 2 submissions from 2 submitters: Uncertain significance (2). Last evaluated 2022-11-17.

Allele frequency attached by ClinVar (database versions not stated): ExAC 0.00002; TOPMed 0.00004; gnomAD 0.00005; gnomAD exomes 0.00008.
gnomAD v4.1: 129 of 1,613,950 alleles (0.008%); highest among the groups gnomAD compares: Non-Finnish European, 0.0098%; no homozygotes.

Submissions (2):

Blueprint Genetics
Classification: Uncertain significance. Last evaluated: 2022-11-17. Review status: criteria provided, single submitter. Criteria: ACMG Guidelines, 2015. Collection method: clinical testing. Allele origin: germline.

Labcorp Genetics (formerly Invitae), Labcorp
Classification: Uncertain significance. Last evaluated: 2021-09-01. Review status: criteria provided, single submitter. Criteria: Invitae Variant Classification Sherloc (09022015). Collection method: clinical testing. Allele origin: germline.
Comment: This sequence change replaces glycine with serine at codon 99 of the TTPA protein (p.Gly99Ser). The glycine residue is highly conserved and there is a small physicochemical difference between glycine and serine. This variant is present in population databases (rs200760380, ExAC 0.003%). This variant has not been reported in the literature in individuals affected with TTPA-related conditions. Algorithms developed to predict the effect of missense changes on protein structure and function are either unavailable or do not agree on the potential impact of this missense change (SIFT: "Deleterious"; PolyPhen-2: "Probably Damaging"; Align-GVGD: "Class C0"). In summary, the available evidence is currently insufficient to determine the role of this variant in disease. Therefore, it has been classified as a Variant of Uncertain Significance.